The following is an entry in ClinVar:

NM_145331.3(MAP3K7):c.1356+9A>G

Gene: MAP3K7 (mitogen-activated protein kinase kinase kinase 7; minus strand). Cytogenetic location: 6q15.
Variant type: single nucleotide variant.
Coding change: c.1356+9A>G on transcript NM_145331.3 (MANE Select); 9 bases into the intron after coding-DNA position 1356, A replaced by G.
Molecular consequence: intron variant.
Genome position (GRCh38, 1-based): chr6:90,536,328, T>C on the plus strand (A>G on the coding strand, the complement: MAP3K7 is on the minus strand). VCF-style: chr6-90536328-T-C. GRCh37 (hg19) VCF-style: chr6-91246047-T-C.
Other names: c.1275+9A>G (NM_145333.3, NM_003188.4); c.1356+9A>G (NM_145332.3).
Identifiers: ClinVar variation 1031662 (VCV001031662.1), dbSNP rs1775676533, ClinGen allele CA1645941654.

ClinVar aggregate classification (germline): Uncertain significance (1 of 4 stars; one submission).

Conditions:
Frontometaphyseal dysplasia 2 (FMD2). Identifiers: MedGen C4310697, MONDO:0014935, OMIM 617137.

Submission:

Baylor Genetics
Classification: Uncertain significance for Frontometaphyseal dysplasia 2. Last evaluated: 2018-11-15. Review status: criteria provided, single submitter. Criteria: ACMG Guidelines, 2015. Collection method: clinical testing. Allele origin: paternal. Affected: yes.
Comment: This variant was determined to be of uncertain significance according to ACMG Guidelines, 2015 [PMID:25741868].